The following is an entry in ClinVar:

NM_017415.3(KLHL3):c.173A>G (p.Asp58Gly)

Gene: KLHL3 (kelch like family member 3; minus strand). Cytogenetic location: 5q31.2.
Variant type: single nucleotide variant.
Coding change: c.173A>G on transcript NM_017415.3 (MANE Select); coding-DNA position 173, A replaced by G.
Protein change: p.Asp58Gly; replaces aspartic acid 58 with glycine.
Molecular consequence: missense variant.
Genome position (GRCh38, 1-based): chr5:137,709,818, T>C on the plus strand (A>G on the coding strand, the complement: KLHL3 is on the minus strand). VCF-style: chr5-137709818-T-C. GRCh37 (hg19) VCF-style: chr5-137045507-T-C.
Other names: c.77A>G, p.Asp26Gly (NM_001257194.1); c.173A>G (NM_017415.2); short protein forms D26G, D58G.
Identifiers: ClinVar variation 2176270 (VCV002176270.7), dbSNP rs141882043, ClinGen allele CA3422550.

ClinVar aggregate classification (germline): Uncertain significance. Review status: criteria provided, multiple submitters, no conflicts (2 of 4 stars). 3 submissions from 3 submitters: Uncertain significance (3). Last evaluated 2025-06-12.

Conditions:
Inborn genetic diseases. Identifiers: MedGen C0950123, MeSH D030342.
Pseudohypoaldosteronism type 2D (PHA2D). Also called: FAMILIAL HYPERKALEMIC HYPERTENSION; PSEUDOHYPOALDOSTERONISM, TYPE IID, AUTOSOMAL DOMINANT OR RECESSIVE; Pseudohypoaldosteronism Type IID. Identifiers: Orphanet 300525, Orphanet 757, MedGen C3469605, MONDO:0013781, OMIM 614495.

Allele frequency attached by ClinVar (database versions not stated): gnomAD exomes 0.00003; ExAC 0.00011; gnomAD 0.00015; TOPMed 0.00029; ESP Exome Variant Server 0.00031; 1000 Genomes Project 0.00040; 1000 Genomes Project 30x 0.00047.
gnomAD v4.1: 68 of 1,614,126 alleles (0.0042%); highest among the groups gnomAD compares: African/African-American, 0.079%; no homozygotes.

Submissions (3):

Labcorp Genetics (formerly Invitae), Labcorp
Classification: Uncertain significance. Last evaluated: 2025-06-12. Review status: criteria provided, single submitter. Criteria: Invitae Variant Classification Sherloc (09022015). Collection method: clinical testing. Allele origin: germline.
Comment: This sequence change replaces aspartic acid, which is acidic and polar, with glycine, which is neutral and non-polar, at codon 58 of the KLHL3 protein (p.Asp58Gly). This variant is present in population databases (rs141882043, gnomAD 0.07%). This variant has not been reported in the literature in individuals affected with KLHL3-related conditions. ClinVar contains an entry for this variant (Variation ID: 2176270). Invitae Evidence Modeling of protein sequence and biophysical properties (such as structural, functional, and spatial information, amino acid conservation, physicochemical variation, residue mobility, and thermodynamic stability) indicates that this missense variant is not expected to disrupt KLHL3 protein function with a negative predictive value of 80%. In summary, the available evidence is currently insufficient to determine the role of this variant in disease. Therefore, it has been classified as a Variant of Uncertain Significance.

Ambry Genetics
Classification: Uncertain significance for Inborn genetic diseases. Last evaluated: 2024-12-09. Review status: criteria provided, single submitter. Criteria: Ambry Variant Classification Scheme 2023. Collection method: clinical testing. Allele origin: germline.

Fulgent Genetics
Classification: Uncertain significance for Pseudohypoaldosteronism type 2D. Last evaluated: 2024-03-25. Review status: criteria provided, single submitter. Criteria: ACMG Guidelines, 2015. Collection method: clinical testing. Allele origin: germline.